The following is an entry in ClinVar:

NM_001040142.2(SCN2A):c.1058G>A (p.Cys353Tyr)

Gene: SCN2A (sodium voltage-gated channel alpha subunit 2; plus strand). Cytogenetic location: 2q24.3.
Variant type: single nucleotide variant.
Coding change: c.1058G>A on transcript NM_001040142.2 (MANE Select); coding-DNA position 1058, G replaced by A.
Protein change: p.Cys353Tyr; replaces cysteine 353 with tyrosine.
Molecular consequence: missense variant.
Genome position (GRCh38, 1-based): chr2:165,313,643, G>A. VCF-style: chr2-165313643-G-A. GRCh37 (hg19) VCF-style: chr2-166170153-G-A.
Other names: c.1058G>A, p.Cys353Tyr (NM_001040143.2, NM_001371246.1, NM_001371247.1 and 1 more transcripts); short protein forms C353Y.
Identifiers: ClinVar variation 1701637 (VCV001701637.1), dbSNP rs1697566111, ClinGen allele CA349020372.

ClinVar aggregate classification (germline): Uncertain significance (1 of 4 stars; one submission).

Conditions:
Developmental and epileptic encephalopathy, 11 (DEE11). Also called: Early infantile epileptic encephalopathy 11. Identifiers: Orphanet 1934, MedGen C3150987, MONDO:0013388, OMIM 613721.

Submission:

New York Genome Center
Classification: Uncertain significance for Developmental and epileptic encephalopathy, 11. Last evaluated: 2021-10-23. Review status: criteria provided, single submitter. Criteria: NYGC Assertion Criteria 2020. Collection method: clinical testing. Allele origin: germline. Observed: 1 heterozygote. Study: CSER-NYCKidSeq.
Comment: The heterozygous missense variant c.1058G>A (p.Cys353Tyr) identified in exon 9 (of 27) of the SCN2A gene has not been reported in affected individuals in the literature. The variant is absent from the gnomAD(v3) database suggesting it is not a common benign variant in the populations represented in that database. This variant affects a highly conserved residue (Cys353) of the SCN2A gene and is predicted deleterious by multiple in silico prediction tools (CADD score= 28.7, REVEL score = 0.902). Due to the lack of compelling evidence for its pathogenicity, the heterozygous c.1058G>A (p.Cys353Tyr) missense variant identified inthe SCN2A gene is reported as a Variant of Uncertain Significance.